The following is an entry in ClinVar:

NM_001170629.2(CHD8):c.2362G>A (p.Val788Met)

Gene: CHD8 (chromodomain helicase DNA binding protein 8; minus strand). Cytogenetic location: 14q11.2.
Variant type: single nucleotide variant.
Coding change: c.2362G>A on transcript NM_001170629.2 (MANE Select); coding-DNA position 2362, G replaced by A.
Protein change: p.Val788Met; replaces valine 788 with methionine.
Molecular consequence: missense variant.
Genome position (GRCh38, 1-based): chr14:21,409,853, C>T on the plus strand (G>A on the coding strand, the complement: CHD8 is on the minus strand). VCF-style: chr14-21409853-C-T. GRCh37 (hg19) VCF-style: chr14-21878012-C-T.
Other names: c.1525G>A, p.Val509Met (NM_020920.4); short protein forms V509M, V788M.
Identifiers: ClinVar variation 589248 (VCV000589248.81), dbSNP rs191366877, ClinGen allele CA7091592.

ClinVar aggregate classification (germline): Benign/Likely benign. Review status: criteria provided, multiple submitters, no conflicts (2 of 4 stars). 6 submissions from 6 submitters: Benign (1); Likely benign (4). 1 of the submissions does not count toward it. Last evaluated 2026-06-01.

Conditions:
Inborn genetic diseases. Identifiers: MedGen C0950123, MeSH D030342.
CHD8-related disorder. Also called: CHD8-related disorders; CHD8-related condition.

Allele frequency attached by ClinVar (database versions not stated): 1000 Genomes Project 30x 0.00016; 1000 Genomes Project 0.00020; ESP Exome Variant Server 0.00068; ExAC 0.00082; gnomAD 0.00086 and 0.00088; TOPMed 0.00090; gnomAD exomes 0.00096 and 0.00119.
gnomAD v4.1: 1,863 of 1,613,262 alleles (0.12%); highest among the groups gnomAD compares: Middle Eastern, 0.26%; 1 homozygote.

Submissions (6):

CeGaT Center for Human Genetics Tuebingen
Classification: Likely benign. Last evaluated: 2026-06-01. Review status: criteria provided, single submitter. Criteria: CeGaT Center For Human Genetics Tuebingen Variant Classification Criteria Version 2. Collection method: clinical testing. Allele origin: germline. Affected: yes. Observed: 7 variant alleles.
Comment: CHD8: PP2, BS1

Labcorp Genetics (formerly Invitae), Labcorp
Classification: Likely benign. Last evaluated: 2025-12-23. Review status: criteria provided, single submitter. Criteria: Invitae Variant Classification Sherloc (09022015). Collection method: clinical testing. Allele origin: germline.

Blueprint Genetics
Classification: Likely benign. Last evaluated: 2024-11-14. Review status: criteria provided, single submitter. Criteria: ACMG Guidelines, 2015. Collection method: clinical testing. Allele origin: germline.

GeneDx
Classification: Benign. Last evaluated: 2019-08-23. Review status: criteria provided, single submitter. Criteria: GeneDx Variant Classification Process June 2021. Collection method: clinical testing. Allele origin: germline. Affected: yes.

Ambry Genetics
Classification: Likely benign for Inborn genetic diseases. Last evaluated: 2018-01-31. Review status: criteria provided, single submitter. Criteria: Ambry Variant Classification Scheme 2023. Collection method: clinical testing. Allele origin: germline.

PreventionGenetics, part of Exact Sciences
Classification: Likely benign for CHD8-related condition. Last evaluated: 2019-04-30. Review status: no assertion criteria provided. Collection method: clinical testing. Allele origin: germline. Not counted in ClinVar's aggregate classification.
Comment: This variant is classified as likely benign based on ACMG/AMP sequence variant interpretation guidelines (Richards et al. 2015 PMID: 25741868, with internal and published modifications).